The following is an entry in ClinVar:

ClinVar aggregate classification (germline): Pathogenic. Review status: criteria provided, single submitter (1 of 4 stars). 2 submissions from 2 submitters: Pathogenic (1). 1 of the submissions does not count toward it. Last evaluated 2024-10-04.

Conditions:
Peeling skin syndrome 5 (PSS5). Identifiers: MedGen C4310710, MONDO:0014923, OMIM 617115.

Allele frequency attached by ClinVar (database versions not stated): gnomAD 0.00001; TOPMed 0.00002; ExAC 0.00003; gnomAD exomes 0.00003 and 0.00007; ESP Exome Variant Server 0.00008.

Submissions (2):

Dubai Health Genomic Medicine Center, Dubai Health
Classification: Pathogenic for Peeling skin syndrome 5. Last evaluated: 2024-10-04. Review status: criteria provided, single submitter. Criteria: ACMG Guidelines, 2015. Collection method: research. Allele origin: germline. Affected: yes.
Comment: PVS1,PS3,PM2

OMIM
Classification: Pathogenic for PEELING SKIN SYNDROME 5. Last evaluated: 2016-09-13. Review status: no assertion criteria provided. Collection method: literature only. Allele origin: germline. Not counted in ClinVar's aggregate classification.

Literature cited by the submitters: PubMed 27476651 (cited by OMIM).

NM_002640.4(SERPINB8):c.2T>C (p.Met1Thr)

Gene: SERPINB8 (serpin family B member 8; plus strand). Cytogenetic location: 18q22.1.
Variant type: single nucleotide variant.
Coding change: c.2T>C on transcript NM_002640.4 (MANE Select); coding-DNA position 2, T replaced by C.
Protein change: p.Met1Thr; changes the start codon (methionine 1).
Molecular consequence: missense variant, initiator codon variant. On other transcripts: intron variant (2).
Genome position (GRCh38, 1-based): chr18:63,978,310, T>C. VCF-style: chr18-63978310-T-C. GRCh37 (hg19) VCF-style: chr18-61645544-T-C.
Other names: c.2T>C, p.Met1Thr (NM_001031848.2, NM_001348367.2, NM_001348368.2 and 3 more transcripts); c.-378-1491T>C (NM_001276490.2); c.-229-1491T>C (NM_001348370.2); short protein forms M1T.
Identifiers: ClinVar variation 254199 (VCV000254199.3), dbSNP rs374612640, ClinGen allele CA8990600.